The following is an entry in ClinVar:

ClinVar aggregate classification (germline): Pathogenic (1 of 4 stars; one submission).

Conditions:
Hypoplastic enamel-onycholysis-hypohidrosis syndrome (TNS). Also called: WITKOP SYNDROME; NAIL DYSPLASIA WITH HYPODONTIA; Tooth-and-Nail Syndrome; ECTODERMAL DYSPLASIA 3, WITKOP TYPE; ECTODERMAL DYSPLASIA 3, TOOTH/NAIL TYPE. Identifiers: Orphanet 2228, MedGen C0406735, MONDO:0008582, OMIM 189500.

Submission:

Labcorp Genetics (formerly Invitae), Labcorp
Classification: Pathogenic for Hypoplastic enamel-onycholysis-hypohidrosis syndrome. Last evaluated: 2022-09-02. Review status: criteria provided, single submitter. Criteria: Invitae Variant Classification Sherloc (09022015). Collection method: clinical testing. Allele origin: germline.
Comment: A gross deletion of the genomic region encompassing the full coding sequence of the MSX1 gene has been identified. Loss-of-function variants in MSX1 are known to be pathogenic (PMID: 9742121, 10742093). The boundaries of this event are unknown as they extend beyond the assayed region for this gene and therefore may encompass additional genes. Isolated whole-gene deletions of MSX1 have not been reported in the literature. However, larger copy number events that include this gene have been reported (PMID: 14630905). For these reasons, this variant has been classified as Pathogenic.

Literature cited by the submitters: PubMed 9742121; PubMed 10742093; PubMed 14630905.

NC_000004.11:g.(?_4861627)_(6304195_?)del

Genes: C4orf50 (chromosome 4 open reading frame 50; minus strand), CRMP1 (collapsin response mediator protein 1; minus strand), CYTL1 (cytokine like 1; minus strand), EVC (EvC ciliary complex subunit 1; plus strand), EVC2 (EvC ciliary complex subunit 2; minus strand) and 5 more. Cytogenetic location: 4p16.2-16.1.
Variant type: Deletion.
Identifiers: ClinVar variation 2424447 (VCV002424447.4).